The following is an entry in ClinVar:

NM_017849.4(TMEM127):c.410-18T>C

Gene: TMEM127 (transmembrane protein 127; minus strand). Cytogenetic location: 2q11.2.
Variant type: single nucleotide variant.
Coding change: c.410-18T>C on transcript NM_017849.4 (MANE Select); 18 bases into the intron before coding-DNA position 410, T replaced by C.
Molecular consequence: intron variant.
Genome position (GRCh38, 1-based): chr2:96,254,133, A>G on the plus strand (T>C on the coding strand, the complement: TMEM127 is on the minus strand). VCF-style: chr2-96254133-A-G. GRCh37 (hg19) VCF-style: chr2-96919871-A-G.
Other names: c.410-18T>C (NM_001193304.3).
Identifiers: ClinVar variation 1611949 (VCV001611949.9), dbSNP rs1374413238, ClinGen allele CA895717483.
Genomic context (GRCh38, chr2:96,254,133, plus strand): 5'-GAAGCCCAATAAGAAAAGCCAATGACGGTGGCACACTGCAGAACTAGGAGACAGAGGGAC[A>G]GCACAGAAGGGGAATTAGTGAGCACTCCACAGCTAGGATGCTTGAGGACCCAATCACAGC-3'

ClinVar aggregate classification (germline): Likely benign. Review status: criteria provided, multiple submitters, no conflicts (2 of 4 stars). 2 submissions from 2 submitters: Likely benign (2). Last evaluated 2026-07-28.

Conditions:
Hereditary pheochromocytoma and paraganglioma. Also called: Hereditary paragangliomas and pheochromocytomas; Hereditary Paraganglioma-Pheochromocytoma Syndromes; Hereditary pheochromocytoma-paraganglioma. Identifiers: Orphanet 29072, MedGen C4274332, MONDO:0017366.

Allele frequency attached by ClinVar (database versions not stated): gnomAD exomes below 0.00001; TOPMed below 0.00001; gnomAD 0.00001.
gnomAD v4.1: 3 of 1,612,598 alleles (0.00019%); highest among the groups gnomAD compares: Non-Finnish European, 0.00025%; no homozygotes.

Submissions (2):

Myriad Genetics, Inc.
Classification: Likely benign for Hereditary pheochromocytoma and paraganglioma. Last evaluated: 2026-07-28. Review status: criteria provided, single submitter. Criteria: Myriad Autosomal Dominant, Autosomal Recessive and X-Linked Classification Criteria (2023). Collection method: clinical testing. Allele origin: unknown.
Comment: This variant is considered likely benign. This variant is intronic and is not expected to impact mRNA splicing.

Labcorp Genetics (formerly Invitae), Labcorp
Classification: Likely benign for Hereditary pheochromocytoma and paraganglioma. Last evaluated: 2026-01-06. Review status: criteria provided, single submitter. Criteria: Invitae Variant Classification Sherloc (09022015). Collection method: clinical testing. Allele origin: germline.